The following is an entry in ClinVar:

ClinVar aggregate classification (germline): Likely benign (1 of 4 stars; one submission).

Conditions:
Catecholaminergic polymorphic ventricular tachycardia (CVPT). Also called: Catecholamine-induced polymorphic ventricular tachycardia. Identifiers: Orphanet 3286, MedGen C5574922, MONDO:0017990.

gnomAD v4.1: 1 of 1,613,944 alleles (0.000062%); highest among the groups gnomAD compares: Non-Finnish European, 0.000085%; no homozygotes.

Submission:

All of Us Research Program, National Institutes of Health
Classification: Likely benign for Catecholaminergic polymorphic ventricular tachycardia. Last evaluated: 2024-05-30. Review status: criteria provided, single submitter. Criteria: ACMG Guidelines, 2015. Collection method: clinical testing. Allele origin: germline. Inheritance: Autosomal dominant inheritance. Observed: 1 variant allele, 1 heterozygote.
Comment: This study involves interpretation of variants in research participants for the purpose of population health screening. Participant phenotype was not available at the time of variant classification. Additional details can be found in publication PMID: 35346344, PMCID: PMC8962531

NM_001035.3(RYR2):c.2556C>T (p.Gly852=)

Gene: RYR2 (ryanodine receptor 2; plus strand). Cytogenetic location: 1q43.
Variant type: single nucleotide variant.
Coding change: c.2556C>T on transcript NM_001035.3 (MANE Select); coding-DNA position 2556, C replaced by T.
Protein change: p.Gly852=; no amino-acid change (glycine 852 retained).
Molecular consequence: synonymous variant.
Genome position (GRCh38, 1-based): chr1:237,503,448, C>T. VCF-style: chr1-237503448-C-T. GRCh37 (hg19) VCF-style: chr1-237666748-C-T.
Identifiers: ClinVar variation 3385692 (VCV003385692.1).
Genomic context (GRCh38, chr1:237,503,448, plus strand): 5'-GAAAGTGGAACACAGCCGAGAGTACAAGCAAGAAAGAACTTACACACGCGACCTGCTGGG[C>T]CCCACAGTTTCCCTGACGCAAGCTGCCTTCACACCCATCCCTGTGGATACCAGCCAGGTA-3'
Protein context (NP_001026.2, residues 842-862): QERTYTRDLL[Gly852=]PTVSLTQAAF